The following is an entry in ClinVar:

NM_013275.6(ANKRD11):c.3084del (p.Arg1027_Tyr1028insTer)

Gene: ANKRD11 (ankyrin repeat domain containing 11; minus strand). Cytogenetic location: 16q24.3.
Variant type: Deletion.
Coding change: c.3084del on transcript NM_013275.6 (MANE Select); coding-DNA position 3084, one base deleted (C; older notation c.3084delC).
Protein change: p.Arg1027_Tyr1028insTer.
Molecular consequence: nonsense.
Genome position (GRCh38, 1-based): chr16:89,283,458, G deleted on the plus strand (C on the coding strand, the reverse complement: ANKRD11 is on the minus strand). VCF-style (leftmost placement, unchanged base first): chr16-89283457-TG-T. GRCh37 (hg19) VCF-style: chr16-89349865-TG-T.
Other names: c.3084del, p.Arg1027_Tyr1028insTer (NM_001256182.2, NM_001256183.2).
Identifiers: ClinVar variation 503961 (VCV000503961.2), dbSNP rs1555528719, ClinGen allele CA658798664.
Genomic context (GRCh38, chr16:89,283,457, plus strand): 5'-CCTTCTGACATTTTTCCAGGATTGATTTCTCACTTTTGTCCTTGTCACTGGATTTCTCTT[TG>T]TATCTTTCTGGTTTTGTCTTCTCCTTCCTTTCCTTATCGGGGCCATCCTTCTTCTCCTTC-3'

ClinVar aggregate classification (germline): Pathogenic (1 of 4 stars; one submission).

Submission:

GeneDx
Classification: Pathogenic. Last evaluated: 2017-12-27. Review status: criteria provided, single submitter. Criteria: GeneDx Variant Classification (06012015). Collection method: clinical testing. Allele origin: germline. Affected: yes.
Comment: The c.3084delC variant in the ANKRD11 gene has not been reported previously as a pathogenic variant nor as a benign variant, to our knowledge. The c.3084delC variant causes a frameshift, changing codon Tyrosine 1028 to a premature Stop codon, denoted p.Tyr1028Ter. This variant is predicted to cause loss of normal protein function either through protein truncation or nonsense-mediated mRNA decay. The c.3084delC variant is not observed in large population cohorts (Lek et al., 2016). We interpret c.3084delC as a pathogenic variant.